The following is an entry in ClinVar:

NM_001040142.2(SCN2A):c.6008G>A (p.Ser2003Asn)

Gene: SCN2A (sodium voltage-gated channel alpha subunit 2; plus strand). Cytogenetic location: 2q24.3.
Variant type: single nucleotide variant.
Coding change: c.6008G>A on transcript NM_001040142.2 (MANE Select); coding-DNA position 6008, G replaced by A.
Protein change: p.Ser2003Asn; replaces serine 2003 with asparagine.
Molecular consequence: missense variant.
Genome position (GRCh38, 1-based): chr2:165,389,814, G>A. VCF-style: chr2-165389814-G-A. GRCh37 (hg19) VCF-style: chr2-166246324-G-A.
Other names: c.6008G>A, p.Ser2003Asn (NM_001040143.2, NM_001371246.1, NM_001371247.1 and 1 more transcripts); short protein forms S2003N.
Identifiers: ClinVar variation 3902999 (VCV003902999.1).

ClinVar aggregate classification (germline): Uncertain significance (1 of 4 stars; one submission).

Submission:

GeneDx
Classification: Uncertain significance. Last evaluated: 2024-12-12. Review status: criteria provided, single submitter. Criteria: GeneDx Variant Classification Process June 2021. Collection method: clinical testing. Allele origin: germline. Affected: yes.
Comment: Not observed at significant frequency in large population cohorts (gnomAD); In silico analysis indicates that this missense variant does not alter protein structure/function; Has not been previously published as pathogenic or benign to our knowledge; This substitution is predicted to be within the C-terminal cytoplasmic domain